The following is an entry in ClinVar:

NM_002905.5(RDH5):c.-153C>T

Genes: BLOC1S1-RDH5 (BLOC1S1-RDH5 readthrough; plus strand), RDH5 (retinol dehydrogenase 5; plus strand). Cytogenetic location: 12q13.2.
Variant type: single nucleotide variant.
Coding change: c.-153C>T on transcript NM_002905.5 (MANE Select); 153 bases upstream of the start codon, C replaced by T.
Molecular consequence: 5 prime UTR variant.
Genome position (GRCh38, 1-based): chr12:55,720,397, C>T. VCF-style: chr12-55720397-C-T. GRCh37 (hg19) VCF-style: chr12-56114181-C-T.
Other names: c.-158C>T (NM_001199771.3).
Identifiers: ClinVar variation 309807 (VCV000309807.7), dbSNP rs114663094, ClinGen allele CA10642877.

ClinVar aggregate classification (germline): Benign. Review status: criteria provided, multiple submitters, no conflicts (2 of 4 stars). 2 submissions from 2 submitters: Benign (2). Last evaluated 2021-05-24.

Conditions:
Pigmentary retinal dystrophy. Also called: Fundus albipunctatus. Identifiers: Orphanet 227796, Orphanet 52427, MedGen C0311338, MONDO:0007639, OMIM 136880, HP:0030642.

Allele frequency attached by ClinVar (database versions not stated): gnomAD 0.01449 and 0.01541; TOPMed 0.01679; 1000 Genomes Project 0.01957; 1000 Genomes Project 30x 0.02092.

Submissions (2):

GeneDx
Classification: Benign. Last evaluated: 2021-05-24. Review status: criteria provided, single submitter. Criteria: GeneDx Variant Classification Process June 2021. Collection method: clinical testing. Allele origin: germline. Affected: yes.

Illumina Laboratory Services, Illumina
Classification: Benign for Pigmentary retinal dystrophy. Last evaluated: 2018-01-12. Review status: criteria provided, single submitter. Criteria: ICSL Variant Classification Criteria 13 December 2019. Collection method: clinical testing. Allele origin: germline.
Comment: This variant was observed in the ICSL laboratory as part of a predisposition screen in an ostensibly healthy population. It had not been previously curated by ICSL or reported in the Human Gene Mutation Database (HGMD: prior to June 1st, 2018), and was therefore a candidate for classification through an automated scoring system. Utilizing variant allele frequency, disease prevalence and penetrance estimates, and inheritance mode, an automated score was calculated to assess if this variant is too frequent to cause the disease. Based on the score and internal cut-off values, a variant classified as benign is not then subjected to further curation. The score for this variant resulted in a classification of benign for this disease.